The following is an entry in ClinVar:

NM_030962.4(SBF2):c.272A>C (p.Asn91Thr)

Gene: SBF2 (SET binding factor 2; minus strand). Cytogenetic location: 11p15.4.
Variant type: single nucleotide variant.
Coding change: c.272A>C on transcript NM_030962.4 (MANE Select); coding-DNA position 272, A replaced by C.
Protein change: p.Asn91Thr; replaces asparagine 91 with threonine.
Molecular consequence: missense variant.
Genome position (GRCh38, 1-based): chr11:10,042,851, T>G on the plus strand (A>C on the coding strand, the complement: SBF2 is on the minus strand). VCF-style: chr11-10042851-T-G. GRCh37 (hg19) VCF-style: chr11-10064398-T-G.
Other names: c.272A>C, p.Asn91Thr (NM_001386339.1, NM_001386342.1); short protein forms N91T.
Identifiers: ClinVar variation 1004468 (VCV001004468.7), dbSNP rs1206056257, ClinGen allele CA379643803.

ClinVar aggregate classification (germline): Uncertain significance (1 of 4 stars; one submission).

Conditions:
Charcot-Marie-Tooth disease type 4. Also called: Charcot-Marie-Tooth disease, type IV; Charcot-Marie-Tooth, Type 4. Identifiers: Orphanet 64749, MedGen C4082197, MONDO:0018995.

Allele frequency attached by ClinVar (database versions not stated): TOPMed below 0.00001.
gnomAD v4.1: 1 of 1,614,042 alleles (0.000062%); highest among the groups gnomAD compares: Non-Finnish European, 0.000085%; no homozygotes.

Submission:

Labcorp Genetics (formerly Invitae), Labcorp
Classification: Uncertain significance for Charcot-Marie-Tooth disease type 4. Last evaluated: 2020-10-05. Review status: criteria provided, single submitter. Criteria: Invitae Variant Classification Sherloc (09022015). Collection method: clinical testing. Allele origin: germline.
Comment: This variant is not present in population databases (ExAC no frequency). In summary, the available evidence is currently insufficient to determine the role of this variant in disease. Therefore, it has been classified as a Variant of Uncertain Significance. Algorithms developed to predict the effect of missense changes on protein structure and function (SIFT, PolyPhen-2, Align-GVGD) all suggest that this variant is likely to be tolerated, but these predictions have not been confirmed by published functional studies and their clinical significance is uncertain. This variant has not been reported in the literature in individuals with SBF2-related conditions. This sequence change replaces asparagine with threonine at codon 91 of the SBF2 protein (p.Asn91Thr). The asparagine residue is moderately conserved and there is a small physicochemical difference between asparagine and threonine.